The following is an entry in ClinVar:

NM_000336.3(SCNN1B):c.804C>G (p.His268Gln)

Gene: SCNN1B (sodium channel epithelial 1 subunit beta; plus strand). Cytogenetic location: 16p12.2.
Variant type: single nucleotide variant.
Coding change: c.804C>G on transcript NM_000336.3 (MANE Select); coding-DNA position 804, C replaced by G.
Protein change: p.His268Gln; replaces histidine 268 with glutamine.
Molecular consequence: missense variant.
Genome position (GRCh38, 1-based): chr16:23,367,883, C>G. VCF-style: chr16-23367883-C-G. GRCh37 (hg19) VCF-style: chr16-23379204-C-G.
Other names: c.804C>G, p.His268Gln (NM_001410900.1); short protein forms H268Q.
Identifiers: ClinVar variation 3233816 (VCV003233816.2), dbSNP rs2506470549, ClinGen allele CA395108748.

ClinVar aggregate classification (germline): Uncertain significance (1 of 4 stars; one submission).

Allele frequency attached by ClinVar (database versions not stated): gnomAD exomes below 0.00001.
gnomAD v4.1: 1 of 1,614,200 alleles (0.000062%); highest among the groups gnomAD compares: Non-Finnish European, 0.000085%; no homozygotes.

Submission:

Women's Health and Genetics/Laboratory Corporation of America, LabCorp
Classification: Uncertain significance. Last evaluated: 2024-03-22. Review status: criteria provided, single submitter. Criteria: LabCorp Variant Classification Summary - May 2015. Collection method: clinical testing. Allele origin: germline.
Comment: Variant summary: SCNN1B c.804C>G (p.His268Gln) results in a non-conservative amino acid change in the encoded protein sequence. Three of four in-silico tools predict a benign effect of the variant on protein function. The variant was absent in 251492 control chromosomes. The available data on variant occurrences in the general population are insufficient to allow any conclusion about variant significance. To our knowledge, no occurrence of c.804C>G in individuals affected with SCNN1B-Related Disorders and no experimental evidence demonstrating its impact on protein function have been reported. No submitters have cited clinical-significance assessments for this variant to ClinVar. Based on the evidence outlined above, the variant was classified as uncertain significance.